The following is an entry in ClinVar:

NM_001379200.1(TBX1):c.1253A>G (p.Glu418Gly)

Gene: TBX1 (T-box transcription factor 1; plus strand). Cytogenetic location: 22q11.21.
Variant type: single nucleotide variant.
Coding change: c.1253A>G on transcript NM_001379200.1 (MANE Select); coding-DNA position 1253, A replaced by G.
Protein change: p.Glu418Gly; replaces glutamic acid 418 with glycine.
Molecular consequence: missense variant. On other transcripts: intron variant (2).
Genome position (GRCh38, 1-based): chr22:19,766,605, A>G. VCF-style: chr22-19766605-A-G. GRCh37 (hg19) VCF-style: chr22-19754128-A-G.
Other names: c.1226A>G, p.Glu409Gly (NM_080647.1); c.1009+603A>G (NM_005992.1, NM_080646.2); short protein forms E409G, E418G.
Identifiers: ClinVar variation 800177 (VCV000800177.16), dbSNP rs745858331, ClinGen allele CA10102687.

ClinVar aggregate classification (germline): Conflicting classifications of pathogenicity. Review status: criteria provided, conflicting classifications (1 of 4 stars). 4 submissions from 4 submitters: Uncertain significance (3); Likely benign (1). Last evaluated 2025-10-05.

Conditions:
DiGeorge syndrome. Also called: THIRD AND FOURTH PHARYNGEAL POUCH SYNDROME; Catch22. Identifiers: Orphanet 567, MedGen C0012236, MONDO:0008564, OMIM 188400.
TBX1-related disorder. Also called: TBX1-related condition; TBX1-Related Disorders.
Cardiovascular phenotype. Identifiers: MedGen CN230736.

Allele frequency attached by ClinVar (database versions not stated): gnomAD 0.00002; TOPMed 0.00005.
gnomAD v4.1: 24 of 1,509,196 alleles (0.0016%); highest among the groups gnomAD compares: Admixed American, 0.034%; no homozygotes.

Submissions (4):

Labcorp Genetics (formerly Invitae), Labcorp
Classification: Likely benign for DiGeorge syndrome. Last evaluated: 2025-10-05. Review status: criteria provided, single submitter. Criteria: Invitae Variant Classification Sherloc (09022015). Collection method: clinical testing. Allele origin: germline.

Ambry Genetics
Classification: Uncertain significance for Cardiovascular phenotype. Last evaluated: 2025-08-03. Review status: criteria provided, single submitter. Criteria: Ambry Variant Classification Scheme 2023. Collection method: clinical testing. Allele origin: germline.
Comment: The p.E409G variant (also known as c.1226A>G), located in coding exon 8 of the TBX1 gene, results from an A to G substitution at nucleotide position 1226. The glutamic acid at codon 409 is replaced by glycine, an amino acid with similar properties. This amino acid position is conserved. In addition, the in silico prediction for this alteration is inconclusive. Since supporting evidence is limited at this time, the clinical significance of this alteration remains unclear.

PreventionGenetics, part of Exact Sciences
Classification: Uncertain significance for TBX1-related condition. Last evaluated: 2025-02-07. Review status: criteria provided, single submitter. Criteria: ACMG Guidelines, 2015. Collection method: clinical testing. Allele origin: germline.
Comment: The TBX1 c.1226A>G variant is predicted to result in the amino acid substitution p.Glu409Gly. To our knowledge, this variant has not been reported in the literature. This variant is reported in 0.041% of alleles in individuals of Latino descent in gnomAD. Although we suspect that this variant may be benign, at this time, the clinical significance of this variant is uncertain due to the absence of conclusive functional and genetic evidence.

GeneDx
Classification: Uncertain significance. Last evaluated: 2023-12-13. Review status: criteria provided, single submitter. Criteria: GeneDx Variant Classification Process June 2021. Collection method: clinical testing. Allele origin: germline. Affected: yes.
Comment: In silico analysis supports that this missense variant does not alter protein structure/function; Has not been previously published as pathogenic or benign to our knowledge